The following is an entry in ClinVar:

NM_025114.4(CEP290):c.332G>A (p.Arg111Gln)

Gene: CEP290 (centrosomal protein 290; minus strand). Cytogenetic location: 12q21.32.
Variant type: single nucleotide variant.
Coding change: c.332G>A on transcript NM_025114.4 (MANE Select); coding-DNA position 332, G replaced by A.
Protein change: p.Arg111Gln; replaces arginine 111 with glutamine.
Molecular consequence: missense variant.
Genome position (GRCh38, 1-based): chr12:88,136,752, C>T on the plus strand (G>A on the coding strand, the complement: CEP290 is on the minus strand). VCF-style: chr12-88136752-C-T. GRCh37 (hg19) VCF-style: chr12-88530529-C-T.
Other names: c.332G>A (NM_025114.3); short protein forms R111Q.
Identifiers: ClinVar variation 1388129 (VCV001388129.5), dbSNP rs562747993, ClinGen allele CA6712827.

ClinVar aggregate classification (germline): Uncertain significance. Review status: criteria provided, multiple submitters, no conflicts (2 of 4 stars). 3 submissions from 3 submitters: Uncertain significance (3). Last evaluated 2025-08-04.

Conditions:
Inborn genetic diseases. Identifiers: MedGen C0950123, MeSH D030342.
Nephronophthisis. Also called: Juvenile Nephronophthisis. Identifiers: Orphanet 655, MedGen C0687120, MONDO:0019005, HP:0000090.
Joubert syndrome. Also called: JOUBERT-BOLTSHAUSER SYNDROME; Familial aplasia of the vermis. Identifiers: Orphanet 475, MedGen C5979921, MONDO:0018772.
Meckel-Gruber syndrome. Also called: Dysencephalia splachnocystica; DYSENCEPHALIA SPLANCHNOCYSTICA; GRUBER SYNDROME. Identifiers: Orphanet 564, MedGen C0265215, MONDO:0018921.

Allele frequency attached by ClinVar (database versions not stated): gnomAD 0.00001; TOPMed 0.00001; gnomAD exomes 0.00002 and 0.00004; ExAC 0.00005; 1000 Genomes Project 30x 0.00016; 1000 Genomes Project 0.00020.
gnomAD v4.1: 36 of 1,613,582 alleles (0.0022%); highest among the groups gnomAD compares: South Asian, 0.03%; 1 homozygote.

Submissions (3):

Ambry Genetics
Classification: Uncertain significance for Inborn genetic diseases. Last evaluated: 2025-08-04. Review status: criteria provided, single submitter. Criteria: Ambry Variant Classification Scheme 2023. Collection method: clinical testing. Allele origin: germline.

Blueprint Genetics
Classification: Uncertain significance. Last evaluated: 2022-09-01. Review status: criteria provided, single submitter. Criteria: ACMG Guidelines, 2015. Collection method: clinical testing. Allele origin: germline.

Labcorp Genetics (formerly Invitae), Labcorp
Classification: Uncertain significance for Joubert syndrome; Meckel-Gruber syndrome; Nephronophthisis. Last evaluated: 2022-08-24. Review status: criteria provided, single submitter. Criteria: Invitae Variant Classification Sherloc (09022015). Collection method: clinical testing. Allele origin: germline.
Comment: This sequence change replaces arginine, which is basic and polar, with glutamine, which is neutral and polar, at codon 111 of the CEP290 protein (p.Arg111Gln). This variant is present in population databases (rs562747993, gnomAD 0.02%). This variant has not been reported in the literature in individuals affected with CEP290-related conditions. ClinVar contains an entry for this variant (Variation ID: 1388129). Algorithms developed to predict the effect of missense changes on protein structure and function are either unavailable or do not agree on the potential impact of this missense change (SIFT: "Deleterious"; PolyPhen-2: "Probably Damaging"; Align-GVGD: "Class C0"). In summary, the available evidence is currently insufficient to determine the role of this variant in disease. Therefore, it has been classified as a Variant of Uncertain Significance.